The following is an entry in ClinVar:

NM_005121.3(MED13):c.5794A>C (p.Thr1932Pro)

Gene: MED13 (mediator complex subunit 13; minus strand). Cytogenetic location: 17q23.2.
Variant type: single nucleotide variant.
Coding change: c.5794A>C on transcript NM_005121.3 (MANE Select); coding-DNA position 5794, A replaced by C.
Protein change: p.Thr1932Pro; replaces threonine 1932 with proline.
Molecular consequence: missense variant.
Genome position (GRCh38, 1-based): chr17:61,955,556, T>G on the plus strand (A>C on the coding strand, the complement: MED13 is on the minus strand). VCF-style: chr17-61955556-T-G. GRCh37 (hg19) VCF-style: chr17-60032917-T-G.
Other names: short protein forms T1932P.
Identifiers: ClinVar variation 1313873 (VCV001313873.2), dbSNP rs903279125, ClinGen allele CA292808300.
Genomic context (GRCh38, chr17:61,955,556, plus strand): 5'-GGGTATTTAGCTGAGATGTCTGCATATTTAGAGTCGTGCTTCTTCCAAATACAGAACCAG[T>G]TGACACAGAATCTGAAAATGAAAGACATTTTTTCTTTTAATAAACGAAGAATAAATTGTA-3'
Protein context (NP_005112.2, residues 1922-1942): SFVIMPDSVS[Thr1932Pro]GSVFGRSTTL

ClinVar aggregate classification (germline): Uncertain significance (1 of 4 stars; one submission).

Allele frequency attached by ClinVar (database versions not stated): TOPMed 0.00001.

Submission:

GeneDx
Classification: Uncertain significance. Last evaluated: 2021-01-08. Review status: criteria provided, single submitter. Criteria: GeneDx Variant Classification Process June 2021. Collection method: clinical testing. Allele origin: germline. Affected: yes.
Comment: Not observed in large population cohorts (Lek et al., 2016); In silico analysis supports that this missense variant does not alter protein structure/function; Has not been previously published as pathogenic or benign to our knowledge